The following is an entry in ClinVar:

ClinVar aggregate classification (germline): Uncertain significance (1 of 4 stars; one submission).

Conditions:
YARS1-related disorder. Also called: YARS1-related condition.

gnomAD v4.1: 6 of 1,613,832 alleles (0.00037%); highest among the groups gnomAD compares: Non-Finnish European, 0.00051%; no homozygotes.

Submission:

PreventionGenetics, part of Exact Sciences
Classification: Uncertain significance for YARS1-related condition. Last evaluated: 2025-09-23. Review status: criteria provided, single submitter. Criteria: ACMG Guidelines, 2015. Collection method: clinical testing. Allele origin: germline.
Comment: The YARS1 c.820+1G>A variant is predicted to disrupt the GT donor site and interfere with normal splicing. To our knowledge, this variant has not been reported in the literature. This variant is reported in 0.0065% of alleles in individuals of European (non-Finnish) descent in gnomAD. Loss of function is not an established mechanism of YARS1-related disease. At this time, the clinical significance of this variant is uncertain due to the absence of conclusive functional and genetic evidence.

NM_003680.4(YARS1):c.820+1G>A

Genes: YARS1 (tyrosyl-tRNA synthetase 1; minus strand), LOC126805688 (BRD4-independent group 4 enhancer GRCh37_chr1:33251929-33253128; plus strand). Cytogenetic location: 1p35.1.
Variant type: single nucleotide variant.
Coding change: c.820+1G>A on transcript NM_003680.4 (MANE Select); the canonical splice donor site of the intron after coding-DNA position 820, G replaced by A.
Molecular consequence: splice donor variant.
Genome position (GRCh38, 1-based): chr1:32,786,939, C>T on the plus strand (G>A on the coding strand, the complement: YARS1 is on the minus strand). VCF-style: chr1-32786939-C-T. GRCh37 (hg19) VCF-style: chr1-33252540-C-T.
Identifiers: ClinVar variation 4983375 (VCV004983375.1).
Genomic context (GRCh38, chr1:32,786,939, plus strand): 5'-GATCACAGCACGAACTTTTCTATTCTAGCCTGGCCTCTAGGAAGAAAACAGAGAGTGTTA[C>T]CGGACTTAAGGGGAAAAAGGACATGCTTGATGAAGGACAGAACCCCATTGTTCTCCACAT-3'